The following is an entry in ClinVar:

ClinVar aggregate classification (germline): Uncertain significance. Review status: criteria provided, multiple submitters, no conflicts (2 of 4 stars). 3 submissions from 3 submitters: Uncertain significance (3). Last evaluated 2025-09-08.

Conditions:
Anemia, congenital dyserythropoietic, type 1a (CDAN1A). Also called: DYSERYTHROPOIETIC ANEMIA, CONGENITAL, TYPE Ia; CDAN1-Related Congenital Dyserythropoietic Anemia. Identifiers: MedGen C5574667, MONDO:0009135, OMIM 224120.

Allele frequency attached by ClinVar (database versions not stated): ExAC 0.00005; gnomAD 0.00007; gnomAD exomes 0.00008; TOPMed 0.00008.
gnomAD v4.1: 118 of 1,546,914 alleles (0.0076%); highest among the groups gnomAD compares: Non-Finnish European, 0.0099%; no homozygotes.

Submissions (3):

Labcorp Genetics (formerly Invitae), Labcorp
Classification: Uncertain significance. Last evaluated: 2025-09-08. Review status: criteria provided, single submitter. Criteria: Invitae Variant Classification Sherloc (09022015). Collection method: clinical testing. Allele origin: germline.
Comment: This sequence change replaces valine, which is neutral and non-polar, with isoleucine, which is neutral and non-polar, at codon 64 of the CDAN1 protein (p.Val64Ile). The frequency data for this variant in the population databases is considered unreliable, as metrics indicate poor data quality at this position in the gnomAD database. This variant has not been reported in the literature in individuals affected with CDAN1-related conditions. ClinVar contains an entry for this variant (Variation ID: 2683295). An algorithm developed to predict the effect of missense changes on protein structure and function (PolyPhen-2) suggests that this variant is likely to be disruptive. In summary, the available evidence is currently insufficient to determine the role of this variant in disease. Therefore, it has been classified as a Variant of Uncertain Significance.

Revvity Omics, Revvity
Classification: Uncertain significance for Anemia, congenital dyserythropoietic, type 1a. Last evaluated: 2024-08-26. Review status: criteria provided, single submitter. Criteria: ACMG Guidelines, 2015. Collection method: clinical testing. Allele origin: germline.

Mayo Clinic Laboratories, Mayo Clinic
Classification: Uncertain significance. Last evaluated: 2022-10-13. Review status: criteria provided, single submitter. Criteria: ACMG Guidelines, 2015. Collection method: clinical testing. Allele origin: germline. Observed: 1 variant allele.
Comment: BP4

NM_138477.4(CDAN1):c.190G>A (p.Val64Ile)

Gene: CDAN1 (codanin 1; minus strand). Cytogenetic location: 15q15.2.
Variant type: single nucleotide variant.
Coding change: c.190G>A on transcript NM_138477.4 (MANE Select); coding-DNA position 190, G replaced by A.
Protein change: p.Val64Ile; replaces valine 64 with isoleucine.
Molecular consequence: missense variant.
Genome position (GRCh38, 1-based): chr15:42,736,681, C>T on the plus strand (G>A on the coding strand, the complement: CDAN1 is on the minus strand). VCF-style: chr15-42736681-C-T. GRCh37 (hg19) VCF-style: chr15-43028879-C-T.
Other names: p.Val64Ile; short protein forms V64I.
Identifiers: ClinVar variation 2683295 (VCV002683295.3), dbSNP rs774788590, ClinGen allele CA7516438.